The following is an entry in ClinVar:

NM_001429.4(EP300):c.4438G>A (p.Val1480Ile)

Gene: EP300 (EP300 lysine acetyltransferase; plus strand). Cytogenetic location: 22q13.2.
Variant type: single nucleotide variant.
Coding change: c.4438G>A on transcript NM_001429.4 (MANE Select); coding-DNA position 4438, G replaced by A.
Protein change: p.Val1480Ile; replaces valine 1480 with isoleucine.
Molecular consequence: missense variant.
Genome position (GRCh38, 1-based): chr22:41,170,557, G>A. VCF-style: chr22-41170557-G-A. GRCh37 (hg19) VCF-style: chr22-41566561-G-A.
Other names: c.4360G>A, p.Val1454Ile (NM_001362843.2); short protein forms V1454I, V1480I.
Identifiers: ClinVar variation 1805048 (VCV001805048.3), dbSNP rs753948138, ClinGen allele CA10253423.

ClinVar aggregate classification (germline): Conflicting classifications of pathogenicity. Review status: criteria provided, conflicting classifications (1 of 4 stars). 3 submissions from 3 submitters: Uncertain significance (1); Likely benign (1). 1 of the submissions does not count toward it. Last evaluated 2025-05-13.

Conditions:
EP300-related disorder. Also called: EP300-related condition; EP300-related disorders.
Inborn genetic diseases. Identifiers: MedGen C0950123, MeSH D030342.
Rubinstein-Taybi syndrome due to EP300 haploinsufficiency. Also called: EP300-Related Rubinstein-Taybi Syndrome; RUBINSTEIN-TAYBI SYNDROME 2. Identifiers: Orphanet 353284, Orphanet 783, MedGen C3150941, MONDO:0013364, OMIM 613684.

Allele frequency attached by ClinVar (database versions not stated): gnomAD exomes 0.00001; ExAC 0.00002.
gnomAD v4.1: 6 of 1,609,342 alleles (0.00037%); highest among the groups gnomAD compares: Non-Finnish European, 0.00051%; no homozygotes.

Submissions (3):

Ambry Genetics
Classification: Likely benign for Inborn genetic diseases. Last evaluated: 2025-05-13. Review status: criteria provided, single submitter. Criteria: Ambry Variant Classification Scheme 2023. Collection method: clinical testing. Allele origin: germline.

Victorian Clinical Genetics Services, Murdoch Childrens Research Institute
Classification: Uncertain significance for Rubinstein-Taybi syndrome due to EP300 haploinsufficiency. Last evaluated: 2022-02-02. Review status: criteria provided, single submitter. Criteria: ACMG Guidelines, 2015. Collection method: clinical testing. Allele origin: germline. Inheritance: Autosomal dominant inheritance.
Comment: Based on the classification scheme VCGS_Germline_v1.3.4, this variant is classified as VUS-3C. Following criteria are met: 0102 - Loss of function is a known mechanism of disease in this gene and is associated with Rubinstein-Taybi syndrome 2 (MIM#613684). (I) 0107 - This gene is associated with autosomal dominant disease. (I) 0115 - Variants in this gene are known to have variable expressivity. Clinical features and developmental outcomes vary considerably between individuals with RSTS, with rare reports of pathogenic variants inherited from asymptomatic or mildly affected parents (GeneReviews). (I) 0200 - Variant is predicted to result in a missense amino acid change from valine to isoleucine. (I) 0251 - This variant is heterozygous. (I) 0302 - Variant is present in gnomAD (v2) <0.001 for a dominant condition (3 heterozygotes, 0 homozygotes). (SP) 0502 - Missense variant with conflicting in silico predictions and uninformative conservation. (I) 0602 - Variant is located in a hotspot region or cluster of pathogenic variants in the KAT11 lysine acetyltransferase domain (DECIPHER, PMID: 28523540). (SP) 0705 - No comparable missense variants have previous evidence for pathogenicity. (I) 0807 - This variant has no previous evidence of pathogenicity. (I) 0905 - No published segregation evidence has been identified for this variant. (I) 1007 - No published functional evidence has been identified for this variant. (I) Legend: (SP) - Supporting pathogenic, (I) - Information, (SB) - Supporting benign

PreventionGenetics, part of Exact Sciences
Classification: Uncertain significance for EP300-related condition. Last evaluated: 2024-09-12. Review status: no assertion criteria provided. Collection method: clinical testing. Allele origin: germline. Not counted in ClinVar's aggregate classification.
Comment: The EP300 c.4438G>A variant is predicted to result in the amino acid substitution p.Val1480Ile. To our knowledge, this variant has not been reported in the literature. This variant is reported in 0.0026% of alleles in individuals of European (Non-Finnish) descent in gnomAD. At this time, the clinical significance of this variant is uncertain due to the absence of conclusive functional and genetic evidence.

Literature cited by the submitters: PubMed 28523540 (cited by Victorian Clinical Genetics Services, Murdoch Childrens Research Institute).